The following is an entry in ClinVar:

ClinVar aggregate classification (germline): Pathogenic. Review status: reviewed by expert panel (3 of 4 stars). 10 submissions from 10 submitters: Pathogenic (1). 9 of the submissions do not count toward it. Last evaluated 2016-09-08.

Conditions:
Hereditary cancer-predisposing syndrome. Also called: Neoplastic Syndromes, Hereditary; Tumor predisposition; Hereditary Cancer Syndrome; Hereditary neoplastic syndrome. Identifiers: Orphanet 140162, MedGen C0027672, MeSH D009386, MONDO:0015356.
Hereditary breast ovarian cancer syndrome. Also called: Hereditary breast and/or ovarian cancer syndrome; Hereditary breast and ovarian cancer syndrome; Hereditary breast and ovarian cancer; Hereditary breast and ovarian cancer syndrome (HBOC); Breast and ovarian cancer; BRCA1- and BRCA2-Associated Hereditary Breast and Ovarian Cancer. Identifiers: Orphanet 145, MedGen C0677776, MeSH D061325, MONDO:0003582. Disease mechanism: loss of function.
Breast-ovarian cancer, familial, susceptibility to, 2 (BROVCA2). Also called: BRCA2 Hereditary Breast and Ovarian Cancer. Identifiers: Orphanet 145, MedGen C2675520, MONDO:0012933, OMIM 612555. Disease mechanism: loss of function.

Submissions (10):

Evidence-based Network for the Interpretation of Germline Mutant Alleles (ENIGMA)
Classification: Pathogenic for Breast-ovarian cancer, familial, susceptibility to, 2. Last evaluated: 2016-09-08. Review status: reviewed by expert panel. Criteria: ENIGMA BRCA1/2 Classification Criteria (2015). Collection method: curation. Allele origin: germline.
Comment: Variant allele predicted to encode a truncated non-functional protein.

Ambry Genetics
Classification: Pathogenic for Hereditary cancer-predisposing syndrome. Last evaluated: 2025-08-06. Review status: criteria provided, single submitter. Criteria: Ambry Variant Classification Scheme 2023. Collection method: clinical testing. Allele origin: germline. Not counted in ClinVar's aggregate classification.
Comment: The p.Q3126* pathogenic mutation (also known as c.9376C>T), located in coding exon 24 of the BRCA2 gene, results from a C to T substitution at nucleotide position 9376. This changes the amino acid from a glutamine to a stop codon within coding exon 24. This mutation has been identified in multiple individuals/families suspicious for hereditary breast and ovarian cancer (HBOC) syndrome (de Juan I et al. Fam. Cancer. 2015 Dec;14:505-13; Konstantopoulou I et al. Clin. Genet. 2014 Jan;85:36-42). This alteration is expected to result in loss of function by premature protein truncation or nonsense-mediated mRNA decay. As such, this alteration is interpreted as a disease-causing mutation.

Labcorp Genetics (formerly Invitae), Labcorp
Classification: Pathogenic for Hereditary breast ovarian cancer syndrome. Last evaluated: 2024-04-27. Review status: criteria provided, single submitter. Criteria: Invitae Variant Classification Sherloc (09022015). Collection method: clinical testing. Allele origin: germline. Not counted in ClinVar's aggregate classification.
Comment: This sequence change creates a premature translational stop signal (p.Gln3126*) in the BRCA2 gene. It is expected to result in an absent or disrupted protein product. Loss-of-function variants in BRCA2 are known to be pathogenic (PMID: 20104584). This variant is not present in population databases (gnomAD no frequency). This premature translational stop signal has been observed in individual(s) with breast and ovarian cancer (PMID: 12402332, 20104584, 24010542). ClinVar contains an entry for this variant (Variation ID: 52825). For these reasons, this variant has been classified as Pathogenic.

Clinical Genetics Laboratory, Skane University Hospital Lund
Classification: Pathogenic. Last evaluated: 2023-06-27. Review status: criteria provided, single submitter. Criteria: ACMG Guidelines, 2015. Collection method: clinical testing. Allele origin: germline. Affected: yes. Not counted in ClinVar's aggregate classification.

Institute of Medical Genetics and Applied Genomics, University Hospital Tübingen
Classification: Pathogenic. Last evaluated: 2020-10-23. Review status: criteria provided, single submitter. Criteria: ACMG Guidelines, 2015. Collection method: clinical testing. Allele origin: germline. Inheritance: Unknown mechanism. Affected: yes. Not counted in ClinVar's aggregate classification.

Color Diagnostics, LLC DBA Color Health
Classification: Pathogenic for Hereditary cancer-predisposing syndrome. Last evaluated: 2020-01-15. Review status: criteria provided, single submitter. Criteria: ACMG Guidelines, 2015. Collection method: clinical testing. Allele origin: germline. Not counted in ClinVar's aggregate classification.
Comment: This variant changes 1 nucleotide in exon 25 of the BRCA2 gene, creating a premature translation stop signal. This variant is expected to result in an absent or non-functional protein product. This variant has not been identified in the general population by the Genome Aggregation Database (gnomAD). Loss of BRCA2 function is a known mechanism of disease. Based on the available evidence, this variant is classified as Pathogenic.

GeneKor MSA
Classification: Pathogenic for Hereditary breast and ovarian cancer syndrome. Last evaluated: 2020-01-01. Review status: criteria provided, single submitter. Criteria: ACMG Guidelines, 2015. Collection method: clinical testing. Allele origin: germline. Affected: yes. Not counted in ClinVar's aggregate classification.
Comment: This sequence change creates a premature translational stop signal at codon 3216 of the BRCA2 protein. It is expected to result in an absent or disrupted protein product. Truncating variants in BRCA2 are known to be pathogenic. This variant has been described in the literature in individuals affected with breast and ovarian cancer (PMID: 24010542, PMID: 12402332). The mutation database ClinVar contains entries for this variant (Variation ID: 52825).

Consortium of Investigators of Modifiers of BRCA1/2 (CIMBA), c/o University of Cambridge
Classification: Pathogenic for Breast-ovarian cancer, familial, susceptibility to, 2. Last evaluated: 2015-10-02. Review status: criteria provided, single submitter. Criteria: CIMBA Mutation Classification guidelines May 2016. Collection method: clinical testing. Allele origin: germline. Not counted in ClinVar's aggregate classification.

Juno Genomics, Hangzhou Juno Genomics, Inc
Classification: Pathogenic for Breast-ovarian cancer, familial, susceptibility to, 2. Review status: criteria provided, single submitter. Criteria: ACMG Guidelines, 2015. Collection method: clinical testing. Allele origin: germline. Not counted in ClinVar's aggregate classification.
Comment: Absent from controls (or at extremely low frequency if recessive) in Genome Aggregation Database.;Null variant in a gene where loss of function (LOF) is a known mechanism of disease.;Novel missense change at an amino acid residue where a different missense change determined to be pathogenic has been seen before.

Breast Cancer Information Core (BIC) (BRCA2)
Classification: Pathogenic for Breast-ovarian cancer, familial 2. Last evaluated: 2002-05-29. Review status: no assertion criteria provided. Collection method: clinical testing. Allele origin: germline. Affected: yes. Observed: 3 variant alleles. Not counted in ClinVar's aggregate classification.

Literature cited by the submitters: PubMed 24010542 (cited by Ambry Genetics and Labcorp Genetics (formerly Invitae), Labcorp); PubMed 26026974 (cited by Ambry Genetics); PubMed 20104584 (cited by Labcorp Genetics (formerly Invitae), Labcorp); PubMed 12402332 (cited by Labcorp Genetics (formerly Invitae), Labcorp).

NM_000059.4(BRCA2):c.9376C>T (p.Gln3126Ter)

Gene: BRCA2 (BRCA2 DNA repair associated; plus strand). Cytogenetic location: 13q13.1.
Variant type: single nucleotide variant.
Coding change: c.9376C>T on transcript NM_000059.4 (MANE Select); coding-DNA position 9376, C replaced by T.
Protein change: p.Gln3126Ter; replaces glutamine 3126 with a stop codon.
Molecular consequence: nonsense.
Genome position (GRCh38, 1-based): chr13:32,394,808, C>T. VCF-style: chr13-32394808-C-T. GRCh37 (hg19) VCF-style: chr13-32968945-C-T.
Other names: short protein forms Q3126*.
Identifiers: ClinVar variation 52825 (VCV000052825.26), dbSNP rs80359210, ClinGen allele CA026122.